The following is an entry in ClinVar:

ClinVar aggregate classification (germline): Benign/Likely benign. Review status: criteria provided, multiple submitters, no conflicts (2 of 4 stars). 4 submissions from 4 submitters: Benign (3); Likely benign (1). Last evaluated 2026-01-14.

Allele frequency attached by ClinVar (database versions not stated): gnomAD exomes 0.00043 and 0.00094; ExAC 0.00105; 1000 Genomes Project 0.00339; 1000 Genomes Project 30x 0.00344; gnomAD 0.00368 and 0.00394; TOPMed 0.00410; ESP Exome Variant Server 0.00415.
gnomAD v4.1: 1,216 of 1,614,132 alleles (0.075%); highest among the groups gnomAD compares: African/African-American, 1.2%; 7 homozygotes.

Submissions (4):

Labcorp Genetics (formerly Invitae), Labcorp
Classification: Benign. Last evaluated: 2026-01-14. Review status: criteria provided, single submitter. Criteria: Invitae Variant Classification Sherloc (09022015). Collection method: clinical testing. Allele origin: germline.

Blueprint Genetics
Classification: Likely benign. Last evaluated: 2024-10-28. Review status: criteria provided, single submitter. Criteria: ACMG Guidelines, 2015. Collection method: clinical testing. Allele origin: germline.

GeneDx
Classification: Benign. Last evaluated: 2019-09-12. Review status: criteria provided, single submitter. Criteria: GeneDx Variant Classification Process June 2021. Collection method: clinical testing. Allele origin: germline. Affected: yes.

Laboratory for Molecular Medicine, Mass General Brigham Personalized Medicine
Classification: Benign. Last evaluated: 2012-04-30. Review status: criteria provided, single submitter. Criteria: LMM Criteria. Collection method: clinical testing. Allele origin: germline. Observed: 4 variant alleles.
Comment: Val346Ile in Exon 08 of SERPINB6: This variant is not expected to have clinical significance because it has been identified in 1.3% (48/3738) of African America n chromosomes from a broad population by the NHLBI Exome Sequencing Project (dbSNP rs61737420).

NM_004568.6(SERPINB6):c.1036G>A (p.Val346Ile)

Gene: SERPINB6 (serpin family B member 6; minus strand). Cytogenetic location: 6p25.2.
Variant type: single nucleotide variant.
Coding change: c.1036G>A on transcript NM_004568.6 (MANE Select); coding-DNA position 1036, G replaced by A.
Protein change: p.Val346Ile; replaces valine 346 with isoleucine.
Molecular consequence: missense variant. On other transcripts: non-coding transcript variant (1).
Genome position (GRCh38, 1-based): chr6:2,948,393, C>T on the plus strand (G>A on the coding strand, the complement: SERPINB6 is on the minus strand). VCF-style: chr6-2948393-C-T. GRCh37 (hg19) VCF-style: chr6-2948627-C-T.
Other names: c.1048G>A, p.Val350Ile (NM_001195291.3, NM_001374515.1); c.1078G>A, p.Val360Ile (NM_001271822.2); c.1093G>A, p.Val365Ile (NM_001271823.2); c.1036G>A, p.Val346Ile (NM_001271824.2, NM_001271825.2, NM_001297699.2 and 2 more transcripts); c.904G>A, p.Val302Ile (NM_001374517.1); short protein forms V350I, V346I, V365I, V360I, V302I.
Identifiers: ClinVar variation 44130 (VCV000044130.16), dbSNP rs61737420, ClinGen allele CA133637.